The following is an entry in ClinVar:

NM_001020658.2(PUM1):c.2323+10A>G

Gene: PUM1 (pumilio RNA binding family member 1; minus strand). Cytogenetic location: 1p35.2.
Variant type: single nucleotide variant.
Coding change: c.2323+10A>G on transcript NM_001020658.2 (MANE Select); 10 bases into the intron after coding-DNA position 2323, A replaced by G.
Molecular consequence: intron variant.
Genome position (GRCh38, 1-based): chr1:30,964,664, T>C on the plus strand (A>G on the coding strand, the complement: PUM1 is on the minus strand). VCF-style: chr1-30964664-T-C. GRCh37 (hg19) VCF-style: chr1-31437511-T-C.
Other names: c.2323+10A>G (NM_014676.3).
Identifiers: ClinVar variation 3044415 (VCV003044415.3), dbSNP rs201265115, ClinGen allele CA728998.

ClinVar aggregate classification (germline): Likely benign. Review status: criteria provided, single submitter (1 of 4 stars). 2 submissions from 2 submitters: Likely benign (1). 1 of the submissions does not count toward it. Last evaluated 2024-11-21.

Conditions:
PUM1-related disorder. Also called: PUM1-related condition; PUM1-related disorders.

Allele frequency attached by ClinVar (database versions not stated): ESP Exome Variant Server 0.00023; gnomAD 0.00050; TOPMed 0.00054; ExAC 0.00062; gnomAD exomes 0.00092.
gnomAD v4.1: 1,387 of 1,594,892 alleles (0.087%); highest among the groups gnomAD compares: Non-Finnish European, 0.11%; 1 homozygote.

Submissions (2):

Blueprint Genetics
Classification: Likely benign. Last evaluated: 2024-11-21. Review status: criteria provided, single submitter. Criteria: ACMG Guidelines, 2015. Collection method: clinical testing. Allele origin: germline.

PreventionGenetics, part of Exact Sciences
Classification: Likely benign for PUM1-related condition. Last evaluated: 2019-05-31. Review status: no assertion criteria provided. Collection method: clinical testing. Allele origin: germline. Not counted in ClinVar's aggregate classification.
Comment: This variant is classified as likely benign based on ACMG/AMP sequence variant interpretation guidelines (Richards et al. 2015 PMID: 25741868, with internal and published modifications).